The following is an entry in ClinVar:

ClinVar aggregate classification (germline): Uncertain significance (1 of 4 stars; one submission).

Submission:

Women's Health and Genetics/Laboratory Corporation of America, LabCorp
Classification: Uncertain significance. Last evaluated: 2025-09-23. Review status: criteria provided, single submitter. Criteria: LabCorp Variant Classification Summary - May 2015. Collection method: clinical testing. Allele origin: germline.
Comment: Variant summary: FKBP10 c.727G>C (p.Gly243Arg) results in a non-conservative amino acid change in the encoded protein sequence. Algorithms developed to predict the effect of missense changes on protein structure and function are either unavailable or do not agree on the potential impact of this missense change. Several computational tools predict a significant impact on normal splicing: Three predict the variant abolishes a 5' splicing donor site. One predict the variant weakens a 5' donor site. However, these predictions have yet to be confirmed by functional studies. The variant was absent in 250976 control chromosomes. The available data on variant occurrences in the general population are insufficient to allow any conclusion about variant significance. To our knowledge, no occurrence of c.727G>C in individuals affected with FKBP10-related conditions and no experimental evidence demonstrating its impact on protein function have been reported. No submitters have cited clinical-significance assessments for this variant to ClinVar. Based on the evidence outlined above, the variant was classified as uncertain significance.

NM_021939.4(FKBP10):c.727G>C (p.Gly243Arg)

Gene: FKBP10 (FKBP prolyl isomerase 10; plus strand). Cytogenetic location: 17q21.2.
Variant type: single nucleotide variant.
Coding change: c.727G>C on transcript NM_021939.4 (MANE Select); coding-DNA position 727, G replaced by C.
Protein change: p.Gly243Arg; replaces glycine 243 with arginine.
Molecular consequence: missense variant.
Genome position (GRCh38, 1-based): chr17:41,818,527, G>C. VCF-style: chr17-41818527-G-C. GRCh37 (hg19) VCF-style: chr17-39974779-G-C.
Other names: short protein forms G243R.
Identifiers: ClinVar variation 4536053 (VCV004536053.1).